The following is an entry in ClinVar:

ClinVar aggregate classification (germline): Uncertain significance (1 of 4 stars; one submission).

Conditions:
Inborn genetic diseases. Identifiers: MedGen C0950123, MeSH D030342.

Submission:

Ambry Genetics
Classification: Uncertain significance for Inborn genetic diseases. Last evaluated: 2025-11-08. Review status: criteria provided, single submitter. Criteria: Ambry Variant Classification Scheme 2023. Collection method: clinical testing. Allele origin: germline.
Comment: The p.N1074K variant (also known as c.3222T>A), located in coding exon 24 of the ANKRD26 gene, results from a T to A substitution at nucleotide position 3222. The asparagine at codon 1074 is replaced by lysine, an amino acid with similar properties. This amino acid position is conserved. In addition, this alteration is predicted to be tolerated by in silico analysis. Based on the available evidence, the clinical significance of this variant remains unclear.

NM_014915.3(ANKRD26):c.3222T>A (p.Asn1074Lys)

Gene: ANKRD26 (ankyrin repeat domain 26; minus strand). Cytogenetic location: 10p12.1.
Variant type: single nucleotide variant.
Coding change: c.3222T>A on transcript NM_014915.3 (MANE Select); coding-DNA position 3222, T replaced by A.
Protein change: p.Asn1074Lys; replaces asparagine 1074 with lysine.
Molecular consequence: missense variant.
Genome position (GRCh38, 1-based): chr10:27,035,228, A>T on the plus strand (T>A on the coding strand, the complement: ANKRD26 is on the minus strand). VCF-style: chr10-27035228-A-T. GRCh37 (hg19) VCF-style: chr10-27324157-A-T.
Other names: c.3219T>A, p.Asn1073Lys (NM_001256053.2); short protein forms N1074K, N1073K.
Identifiers: ClinVar variation 4579908 (VCV004579908.1).